The following is an entry in ClinVar:

NM_004655.4(AXIN2):c.2178T>G (p.His726Gln)

Gene: AXIN2 (axin 2; minus strand). Cytogenetic location: 17q24.1.
Variant type: single nucleotide variant.
Coding change: c.2178T>G on transcript NM_004655.4 (MANE Select); coding-DNA position 2178, T replaced by G.
Protein change: p.His726Gln; replaces histidine 726 with glutamine.
Molecular consequence: missense variant.
Genome position (GRCh38, 1-based): chr17:65,535,685, A>C on the plus strand (T>G on the coding strand, the complement: AXIN2 is on the minus strand). VCF-style: chr17-65535685-A-C. GRCh37 (hg19) VCF-style: chr17-63531803-A-C.
Other names: c.1983T>G, p.His661Gln (NM_001363813.1); short protein forms H726Q, H661Q.
Identifiers: ClinVar variation 842559 (VCV000842559.9), dbSNP rs2043900393, ClinGen allele CA400675805.

ClinVar aggregate classification (germline): Uncertain significance (1 of 4 stars; one submission).

Conditions:
Oligodontia-cancer predisposition syndrome. Also called: TOOTH AGENESIS-COLORECTAL CANCER SYNDROME. Identifiers: Orphanet 300576, MedGen C1837750, MONDO:0012075, OMIM 608615. Disease mechanism: loss of function.

Submission:

Labcorp Genetics (formerly Invitae), Labcorp
Classification: Uncertain significance for Oligodontia-cancer predisposition syndrome. Last evaluated: 2022-01-28. Review status: criteria provided, single submitter. Criteria: Invitae Variant Classification Sherloc (09022015). Collection method: clinical testing. Allele origin: germline.
Comment: In summary, the available evidence is currently insufficient to determine the role of this variant in disease. Therefore, it has been classified as a Variant of Uncertain Significance. Algorithms developed to predict the effect of missense changes on protein structure and function are either unavailable or do not agree on the potential impact of this missense change (SIFT: "Tolerated"; PolyPhen-2: "Probably Damaging"; Align-GVGD: "Class C0"). ClinVar contains an entry for this variant (Variation ID: 842559). This variant has not been reported in the literature in individuals affected with AXIN2-related conditions. This variant is not present in population databases (gnomAD no frequency). This sequence change replaces histidine, which is basic and polar, with glutamine, which is neutral and polar, at codon 726 of the AXIN2 protein (p.His726Gln).